The following is an entry in ClinVar:

ClinVar aggregate classification (germline): Uncertain significance (1 of 4 stars; one submission).

Submission:

Labcorp Genetics (formerly Invitae), Labcorp
Classification: Uncertain significance. Last evaluated: 2025-06-15. Review status: criteria provided, single submitter. Criteria: Invitae Variant Classification Sherloc (09022015). Collection method: clinical testing. Allele origin: germline.
Comment: This sequence change replaces alanine, which is neutral and non-polar, with glycine, which is neutral and non-polar, at codon 1324 of the MYO15A protein (p.Ala1324Gly). This variant is not present in population databases (gnomAD no frequency). This variant has not been reported in the literature in individuals affected with MYO15A-related conditions. Invitae Evidence Modeling of protein sequence and biophysical properties (such as structural, functional, and spatial information, amino acid conservation, physicochemical variation, residue mobility, and thermodynamic stability) has been performed for this missense variant. However, the output from this modeling did not meet the statistical confidence thresholds required to predict the impact of this variant on MYO15A protein function. This variant disrupts the Ala1324 amino acid residue in MYO15A. Other variant(s) that disrupt this residue have been determined to be pathogenic (PMID: 29849560, 35346193). This suggests that this residue is clinically significant, and that variants that disrupt this residue are likely to be disease-causing. In summary, the available evidence is currently insufficient to determine the role of this variant in disease. Therefore, it has been classified as a Variant of Uncertain Significance.

Literature cited by the submitters: PubMed 29849560; PubMed 35346193.

NM_016239.4(MYO15A):c.3971C>G (p.Ala1324Gly)

Gene: MYO15A (myosin XVA; plus strand). Cytogenetic location: 17p11.2.
Variant type: single nucleotide variant.
Coding change: c.3971C>G on transcript NM_016239.4 (MANE Select); coding-DNA position 3971, C replaced by G.
Protein change: p.Ala1324Gly; replaces alanine 1324 with glycine.
Molecular consequence: missense variant.
Genome position (GRCh38, 1-based): chr17:18,127,104, C>G. VCF-style: chr17-18127104-C-G. GRCh37 (hg19) VCF-style: chr17-18030418-C-G.
Other names: short protein forms A1324G.
Identifiers: ClinVar variation 4800692 (VCV004800692.1).